The following is an entry in ClinVar:

ClinVar aggregate classification (germline): Benign. Review status: criteria provided, multiple submitters, no conflicts (2 of 4 stars). 6 submissions from 6 submitters: Benign (5). 1 of the submissions does not count toward it. Last evaluated 2026-02-03.

Conditions:
Paroxysmal nonkinesigenic dyskinesia. Also called: Paroxysmal non-kinesigenic dyskinesia. Identifiers: Orphanet 98810, MedGen C1869117, MONDO:0700088.
Paroxysmal nonkinesigenic dyskinesia 1 (PNKD1). Also called: Nonkinesigenic choreoathetosis; Familial paroxysmal choreoathetosis; DYSTONIA 8; Familial Paroxysmal Nonkinesigenic Dyskinesia; MOUNT-REBACK SYNDROME; PxMD-PNKD. Identifiers: Orphanet 98810, MedGen C4551506, MONDO:0700089, OMIM 118800, MONDO:0007326.

Allele frequency attached by ClinVar (database versions not stated): 1000 Genomes Project 30x 0.00671; 1000 Genomes Project 0.00719; TOPMed 0.01201; gnomAD 0.01319 and 0.01354; gnomAD exomes 0.01341 and 0.01746; ESP Exome Variant Server 0.01431; ExAC 0.02362.
gnomAD v4.1: 27,104 of 1,593,238 alleles (1.7%); highest among the groups gnomAD compares: Non-Finnish European, 2%; 287 homozygotes.

Submissions (6):

Labcorp Genetics (formerly Invitae), Labcorp
Classification: Benign for Paroxysmal nonkinesigenic dyskinesia. Last evaluated: 2026-02-03. Review status: criteria provided, single submitter. Criteria: Invitae Variant Classification Sherloc (09022015). Collection method: clinical testing. Allele origin: germline.

GeneDx
Classification: Benign. Last evaluated: 2021-01-12. Review status: criteria provided, single submitter. Criteria: GeneDx Variant Classification Process June 2021. Collection method: clinical testing. Allele origin: germline. Affected: yes.

Athena Diagnostics
Classification: Benign. Last evaluated: 2018-02-06. Review status: criteria provided, single submitter. Criteria: Athena Diagnostics Criteria. Collection method: clinical testing. Allele origin: germline.

Illumina Laboratory Services, Illumina
Classification: Benign for Paroxysmal nonkinesigenic dyskinesia 1. Last evaluated: 2018-01-12. Review status: criteria provided, single submitter. Criteria: ICSL Variant Classification Criteria 13 December 2019. Collection method: clinical testing. Allele origin: germline.
Comment: This variant was observed in the ICSL laboratory as part of a predisposition screen in an ostensibly healthy population. It had not been previously curated by ICSL or reported in the Human Gene Mutation Database (HGMD: prior to June 1st, 2018), and was therefore a candidate for classification through an automated scoring system. Utilizing variant allele frequency, disease prevalence and penetrance estimates, and inheritance mode, an automated score was calculated to assess if this variant is too frequent to cause the disease. Based on the score and internal cut-off values, a variant classified as benign is not then subjected to further curation. The score for this variant resulted in a classification of benign for this disease.

Breakthrough Genomics
Classification: Benign. Review status: criteria provided, single submitter. Criteria: ACMG Guidelines, 2015. Collection method: not provided. Allele origin: germline. Inheritance: Autosomal dominant inheritance. Affected: yes.

Mayo Clinic Laboratories, Mayo Clinic
Classification: Benign. Last evaluated: 2016-02-25. Review status: no assertion criteria provided. Collection method: clinical testing. Allele origin: unknown. Not counted in ClinVar's aggregate classification.

NM_015488.5(PNKD):c.939G>A (p.Arg313=)

Genes: CATIP-AS2 (CATIP antisense RNA 2; minus strand), PNKD (PNKD metallo-beta-lactamase domain containing; plus strand). Cytogenetic location: 2q35.
Variant type: single nucleotide variant.
Coding change: c.939G>A on transcript NM_015488.5 (MANE Select); coding-DNA position 939, G replaced by A.
Protein change: p.Arg313=; no amino-acid change (arginine 313 retained).
Molecular consequence: synonymous variant.
Genome position (GRCh38, 1-based): chr2:218,344,525, G>A. VCF-style: chr2-218344525-G-A. GRCh37 (hg19) VCF-style: chr2-219209248-G-A.
Other names: c.867G>A, p.Arg289= (NM_022572.5).
Identifiers: ClinVar variation 334327 (VCV000334327.21), dbSNP rs116144189, ClinGen allele CA2104157.
Genomic context (GRCh38, chr2:218,344,525, plus strand): 5'-TGCAGAGGAGAACCTGGGCTTTGCAGGTGTGGTGGAGCCCGAGAACCTGGCCCGGGAGAG[G>A]AAGATGCAGTGGGTGCAGCGGCAGCGGCTGGAGCGCAAGGGCACGGTGAGGGACTCGGGG-3'
Protein context (NP_056303.3, residues 303-323): VVEPENLARE[Arg313=]KMQWVQRQRL